The following is an entry in ClinVar:

ClinVar aggregate classification (germline): Benign/Likely benign. Review status: criteria provided, multiple submitters, no conflicts (2 of 4 stars). 3 submissions from 3 submitters: Benign (1); Likely benign (2). Last evaluated 2026-07-13.

Conditions:
Rhabdoid tumor predisposition syndrome 2 (RTPS2). Identifiers: Orphanet 231108, Orphanet 69077, MedGen C2750074, MONDO:0013224, OMIM 613325.
Hereditary cancer-predisposing syndrome. Also called: Hereditary Cancer Syndrome; Hereditary neoplastic syndrome; Neoplastic Syndromes, Hereditary; Tumor predisposition. Identifiers: Orphanet 140162, MedGen C0027672, MeSH D009386, MONDO:0015356.

Allele frequency attached by ClinVar (database versions not stated): TOPMed 0.00001.

Submissions (3):

Myriad Genetics, Inc.
Classification: Benign for Rhabdoid tumor predisposition syndrome 2. Last evaluated: 2026-07-13. Review status: criteria provided, single submitter. Criteria: Myriad Autosomal Dominant, Autosomal Recessive and X-Linked Classification Criteria (2023). Collection method: clinical testing. Allele origin: unknown.
Comment: This variant is considered benign. This variant is a silent/synonymous amino acid change and it is not expected to impact splicing.

Labcorp Genetics (formerly Invitae), Labcorp
Classification: Likely benign for Rhabdoid tumor predisposition syndrome 2. Last evaluated: 2024-07-16. Review status: criteria provided, single submitter. Criteria: Invitae Variant Classification Sherloc (09022015). Collection method: clinical testing. Allele origin: germline.

Ambry Genetics
Classification: Likely benign for Hereditary cancer-predisposing syndrome. Last evaluated: 2018-03-09. Review status: criteria provided, single submitter. Criteria: Ambry Variant Classification Scheme 2023. Collection method: clinical testing. Allele origin: germline.

NM_003072.5(SMARCA4):c.2346C>T (p.Gly782=)

Gene: SMARCA4 (SWI/SNF related BAF chromatin remodeling complex subunit ATPase 4; plus strand). Cytogenetic location: 19p13.2.
Variant type: single nucleotide variant.
Coding change: c.2346C>T on transcript NM_003072.5 (MANE Select); coding-DNA position 2346, C replaced by T.
Protein change: p.Gly782=; no amino-acid change (glycine 782 retained).
Molecular consequence: synonymous variant. On other transcripts: non-coding transcript variant (1).
Genome position (GRCh38, 1-based): chr19:11,013,020, C>T. VCF-style: chr19-11013020-C-T. GRCh37 (hg19) VCF-style: chr19-11123696-C-T.
Other names: c.2346C>T, p.Gly782= (NM_001128844.3, NM_001128845.2, NM_001128846.2 and 5 more transcripts).
Identifiers: ClinVar variation 470301 (VCV000470301.17), dbSNP rs1555774704, ClinGen allele CA505489804.
Genomic context (GRCh38, chr19:11,013,020, plus strand): 5'-GGAGTGGCTGGTGTCCCTGTACAACAACAACCTGAACGGCATCCTGGCCGACGAGATGGG[C>T]CTGGGGAAGACCATCCAGACCATCGCGCTCATCACGTACCTCATGGAGCACAAACGCATC-3'
Protein context (NP_003063.2, residues 772-792): NLNGILADEM[Gly782=]LGKTIQTIAL